The following is an entry in ClinVar:

NM_001376.5(DYNC1H1):c.12555G>T (p.Trp4185Cys)

Gene: DYNC1H1 (dynein cytoplasmic 1 heavy chain 1; plus strand). Cytogenetic location: 14q32.31.
Variant type: single nucleotide variant.
Coding change: c.12555G>T on transcript NM_001376.5 (MANE Select); coding-DNA position 12555, G replaced by T.
Protein change: p.Trp4185Cys; replaces tryptophan 4185 with cysteine.
Molecular consequence: missense variant.
Genome position (GRCh38, 1-based): chr14:102,043,916, G>T. VCF-style: chr14-102043916-G-T. GRCh37 (hg19) VCF-style: chr14-102510253-G-T.
Other names: short protein forms W4185C.
Identifiers: ClinVar variation 2644574 (VCV002644574.25), dbSNP rs2503865536, ClinGen allele CA391042111.

ClinVar aggregate classification (germline): Uncertain significance. Review status: criteria provided, multiple submitters, no conflicts (2 of 4 stars). 2 submissions from 2 submitters: Uncertain significance (2). Last evaluated 2026-04-23.

Submissions (2):

GeneDx
Classification: Uncertain significance. Last evaluated: 2026-04-23. Review status: criteria provided, single submitter. Criteria: GeneDx Variant Classification Process June 2021. Collection method: clinical testing. Allele origin: germline.
Comment: Not observed at significant frequency in large population cohorts (gnomAD); In silico analysis supports that this missense variant has a deleterious effect on protein structure/function; Has not been previously published as pathogenic or benign to our knowledge; This variant is associated with the following publications: (PMID: 25512093, 25609763, 26100331)

CeGaT Center for Human Genetics Tuebingen
Classification: Uncertain significance. Last evaluated: 2022-09-01. Review status: criteria provided, single submitter. Criteria: CeGaT Center For Human Genetics Tuebingen Variant Classification Criteria Version 2. Collection method: clinical testing. Allele origin: germline. Affected: yes. Observed: 1 variant allele.
Comment: DYNC1H1: PM2